The following is an entry in ClinVar:

NM_001164508.2(NEB):c.10087C>A (p.Leu3363Met)

Gene: NEB (nebulin; minus strand). Cytogenetic location: 2q23.3.
Variant type: single nucleotide variant.
Coding change: c.10087C>A on transcript NM_001164508.2 (MANE Select); coding-DNA position 10087, C replaced by A.
Protein change: p.Leu3363Met; replaces leucine 3363 with methionine.
Molecular consequence: missense variant.
Genome position (GRCh38, 1-based): chr2:151,627,579, G>T on the plus strand (C>A on the coding strand, the complement: NEB is on the minus strand). VCF-style: chr2-151627579-G-T. GRCh37 (hg19) VCF-style: chr2-152484093-G-T.
Other names: c.10087C>A, p.Leu3363Met (NM_001164507.2, NM_001271208.2); c.9358C>A, p.Leu3120Met (NM_004543.5); short protein forms L3363M, L3120M.
Identifiers: ClinVar variation 938434 (VCV000938434.9), dbSNP rs2098550303, ClinGen allele CA348794397.

ClinVar aggregate classification (germline): Uncertain significance (1 of 4 stars; one submission).

Conditions:
Nemaline myopathy 2 (NEM2). Also called: Nemaline myopathy 2, autosomal recessive. Identifiers: MedGen C1850569, MONDO:0009725, OMIM 256030.

Submission:

Labcorp Genetics (formerly Invitae), Labcorp
Classification: Uncertain significance for Nemaline myopathy 2. Last evaluated: 2019-08-27. Review status: criteria provided, single submitter. Criteria: Invitae Variant Classification Sherloc (09022015). Collection method: clinical testing. Allele origin: germline.
Comment: In summary, the available evidence is currently insufficient to determine the role of this variant in disease. Therefore, it has been classified as a Variant of Uncertain Significance. Algorithms developed to predict the effect of missense changes on protein structure and function are either unavailable or do not agree on the potential impact of this missense change (SIFT: "Deleterious"; PolyPhen-2: "Not Available"; Align-GVGD: "Class C0"). This variant has not been reported in the literature in individuals with NEB-related conditions. This variant is not present in population databases (ExAC no frequency). This sequence change replaces leucine with methionine at codon 3363 of the NEB protein (p.Leu3363Met). The leucine residue is moderately conserved and there is a small physicochemical difference between leucine and methionine.